The following is an entry in ClinVar:

NM_001378454.1(ALMS1):c.7174C>T (p.Pro2392Ser)

Gene: ALMS1 (ALMS1 centrosome and basal body associated protein; plus strand). Cytogenetic location: 2p13.1.
Variant type: single nucleotide variant.
Coding change: c.7174C>T on transcript NM_001378454.1 (MANE Select); coding-DNA position 7174, C replaced by T.
Protein change: p.Pro2392Ser; replaces proline 2392 with serine.
Molecular consequence: missense variant.
Genome position (GRCh38, 1-based): chr2:73,453,701, C>T. VCF-style: chr2-73453701-C-T. GRCh37 (hg19) VCF-style: chr2-73680828-C-T.
Other names: c.7177C>T, p.Pro2393Ser (NM_015120.4); short protein forms P2392S, P2393S.
Identifiers: ClinVar variation 1757494 (VCV001757494.2), dbSNP rs2466111587, ClinGen allele CA347291429.

ClinVar aggregate classification (germline): Uncertain significance (1 of 4 stars; one submission).

Conditions:
Cardiovascular phenotype. Identifiers: MedGen CN230736.

Submission:

Ambry Genetics
Classification: Uncertain significance for Cardiovascular phenotype. Last evaluated: 2022-08-24. Review status: criteria provided, single submitter. Criteria: Ambry Variant Classification Scheme 2023. Collection method: clinical testing. Allele origin: germline.
Comment: The p.P2393S variant (also known as c.7177C>T), located in coding exon 8 of the ALMS1 gene, results from a C to T substitution at nucleotide position 7177. The proline at codon 2393 is replaced by serine, an amino acid with similar properties. This amino acid position is highly conserved in available vertebrate species. In addition, the in silico prediction for this alteration is inconclusive. Since supporting evidence is limited at this time, the clinical significance of this alteration remains unclear.